The following is an entry in ClinVar:

NM_198578.4(LRRK2):c.5945T>C (p.Leu1982Ser)

Gene: LRRK2 (leucine rich repeat kinase 2; plus strand). Cytogenetic location: 12q12.
Variant type: single nucleotide variant.
Coding change: c.5945T>C on transcript NM_198578.4 (MANE Select); coding-DNA position 5945, T replaced by C.
Protein change: p.Leu1982Ser; replaces leucine 1982 with serine.
Molecular consequence: missense variant.
Genome position (GRCh38, 1-based): chr12:40,335,154, T>C. VCF-style: chr12-40335154-T-C. GRCh37 (hg19) VCF-style: chr12-40728956-T-C.
Other names: short protein forms L1982S.
Identifiers: ClinVar variation 3898249 (VCV003898249.7).
Genomic context (GRCh38, chr12:40,335,154, plus strand): 5'-ACAAAGCCAGCCTCACTAGAACCCTACAGCACAGGATTGCACTCCACGTAGCTGATGGTT[T>C]GAGGTAAGTAGGTCATGTTGTTTTCTATTCAGTGCATGACAAGTGTGATCCAGACTTGCT-3'
Protein context (NP_940980.4, residues 1972-1992): HRIALHVADG[Leu1982Ser]RYLHSAMIIY

ClinVar aggregate classification (germline): Uncertain significance (1 of 4 stars; one submission).

Submission:

CeGaT Center for Human Genetics Tuebingen
Classification: Uncertain significance. Last evaluated: 2025-04-01. Review status: criteria provided, single submitter. Criteria: CeGaT Center For Human Genetics Tuebingen Variant Classification Criteria Version 2. Collection method: clinical testing. Allele origin: germline. Affected: yes. Observed: 1 variant allele.
Comment: LRRK2: PM2, PP3